The following is an entry in ClinVar:

ClinVar aggregate classification (germline): Uncertain significance (1 of 4 stars; one submission).

Submission:

Labcorp Genetics (formerly Invitae), Labcorp
Classification: Uncertain significance. Last evaluated: 2023-08-31. Review status: criteria provided, single submitter. Criteria: Invitae Variant Classification Sherloc (09022015). Collection method: clinical testing. Allele origin: germline.
Comment: In summary, the available evidence is currently insufficient to determine the role of this variant in disease. Therefore, it has been classified as a Variant of Uncertain Significance. Experimental studies and prediction algorithms are not available or were not evaluated, and the functional significance of this variant is currently unknown. This variant has not been reported in the literature in individuals affected with CYFIP2-related conditions. This variant is not present in population databases (gnomAD no frequency). This sequence change replaces alanine, which is neutral and non-polar, with threonine, which is neutral and polar, at codon 169 of the CYFIP2 protein (p.Ala169Thr).

NM_001037333.3(CYFIP2):c.505G>A (p.Ala169Thr)

Gene: CYFIP2 (cytoplasmic FMR1 interacting protein 2; plus strand). Cytogenetic location: 5q33.3.
Variant type: single nucleotide variant.
Coding change: c.505G>A on transcript NM_001037333.3 (MANE Select); coding-DNA position 505, G replaced by A.
Protein change: p.Ala169Thr; replaces alanine 169 with threonine.
Molecular consequence: missense variant.
Genome position (GRCh38, 1-based): chr5:157,300,832, G>A. VCF-style: chr5-157300832-G-A. GRCh37 (hg19) VCF-style: chr5-156727840-G-A.
Other names: c.427G>A, p.Ala143Thr (NM_001291721.2); c.505G>A, p.Ala169Thr (NM_001291722.2, NM_014376.4); short protein forms A143T, A169T.
Identifiers: ClinVar variation 2787919 (VCV002787919.3), dbSNP rs2532306438, ClinGen allele CA361966626.